The following is an entry in ClinVar:

NM_000540.3(RYR1):c.9123-12C>G

Gene: RYR1 (ryanodine receptor 1; plus strand). Cytogenetic location: 19q13.2.
Variant type: single nucleotide variant.
Coding change: c.9123-12C>G on transcript NM_000540.3 (MANE Select); 12 bases into the intron before coding-DNA position 9123, C replaced by G.
Molecular consequence: intron variant.
Genome position (GRCh38, 1-based): chr19:38,511,549, C>G. VCF-style: chr19-38511549-C-G. GRCh37 (hg19) VCF-style: chr19-39002189-C-G.
Other names: c.9123-12C>G (NM_001042723.2).
Identifiers: ClinVar variation 2889238 (VCV002889238.4), dbSNP rs1238566593, ClinGen allele CA632876367.
Genomic context (GRCh38, chr19:38,511,549, plus strand): 5'-CACGCTGTCCTCGTCTCCTTGGCCTCCTCACTCGCTGTTTCTCCTGCCTTCTGTCCCTTT[C>G]TCTTTCTTCAGCCTCTTCTGCAAACTTGCTGCTCTCGTCCGCCACCGAGTCTCTCTCTTT-3'

ClinVar aggregate classification (germline): Conflicting classifications of pathogenicity. Review status: criteria provided, conflicting classifications (1 of 4 stars). 2 submissions from 2 submitters: Uncertain significance (1); Likely benign (1). Last evaluated 2025-09-30.

Conditions:
RYR1-related disorder. Also called: RYR1-related disorders; RYR1-related condition. Identifiers: MedGen CN239331.
Malignant hyperthermia, susceptibility to, 1 (MHS1). Also called: Anesthesia related hyperthermia; Malignant hyperpyrexia; Fulminating hyperpyrexia; Pharmacogenic myopathy; RYR1-Related Malignant Hyperthermia Susceptibility; Malignant hyperthermia suceptibility 1. Identifiers: Orphanet 423, MedGen C2930980, MONDO:0007783, OMIM 145600.

Allele frequency attached by ClinVar (database versions not stated): gnomAD exomes 0.00001.
gnomAD v4.1: 6 of 1,613,784 alleles (0.00037%); highest among the groups gnomAD compares: East Asian, 0.0022%; no homozygotes.

Submissions (2):

Labcorp Genetics (formerly Invitae), Labcorp
Classification: Likely benign for RYR1-related disorder. Last evaluated: 2025-09-30. Review status: criteria provided, single submitter. Criteria: Invitae Variant Classification Sherloc (09022015). Collection method: clinical testing. Allele origin: germline.

All of Us Research Program, National Institutes of Health
Classification: Uncertain significance for Malignant hyperthermia, susceptibility to, 1. Last evaluated: 2023-06-28. Review status: criteria provided, single submitter. Criteria: ACMG Guidelines, 2015. Collection method: clinical testing. Allele origin: germline. Inheritance: Autosomal dominant inheritance. Observed: 2 variant alleles, 2 heterozygotes.
Comment: This variant causes a C to G nucleotide substitution at the -12 position of intron 60 of the RYR1 gene. To our knowledge, functional studies have not been reported for this variant. This variant has not been reported in individuals affected with RYR1-related disorders in the literature. This variant has been identified in 2/251224 chromosomes in the general population by the Genome Aggregation Database (gnomAD). The available evidence is insufficient to determine the role of this variant in disease conclusively. Therefore, this variant is classified as a Variant of Uncertain Significance.

This study involves interpretation of variants in research participants for the purpose of population health screening. Participant phenotype was not available at the time of variant classification. Additional details can be found in publication PMID: 35346344, PMCID: PMC8962531